The following is an entry in ClinVar:

NM_002529.4(NTRK1):c.148T>C (p.Cys50Arg)

Gene: NTRK1 (neurotrophic receptor tyrosine kinase 1; plus strand). Cytogenetic location: 1q23.1.
Variant type: single nucleotide variant.
Coding change: c.148T>C on transcript NM_002529.4 (MANE Select); coding-DNA position 148, T replaced by C.
Protein change: p.Cys50Arg; replaces cysteine 50 with arginine.
Molecular consequence: missense variant. On other transcripts: intron variant (1).
Genome position (GRCh38, 1-based): chr1:156,861,082, T>C. VCF-style: chr1-156861082-T-C. GRCh37 (hg19) VCF-style: chr1-156830874-T-C.
Other names: c.148T>C, p.Cys50Arg (NM_001012331.2); c.123-3272T>C (NM_001007792.1); short protein forms C50R.
Identifiers: ClinVar variation 841835 (VCV000841835.9), dbSNP rs1655623769, ClinGen allele CA342929807.

ClinVar aggregate classification (germline): Uncertain significance (1 of 4 stars; one submission).

Conditions:
Hereditary insensitivity to pain with anhidrosis (CIPA). Also called: HSAN Type IV; NTRK1 Congenital Insensitivity to Pain with Anhidrosis; hereditary sensory and autonomic neuropathy type 4; FAMILIAL DYSAUTONOMIA, TYPE II; NEUROPATHY, CONGENITAL SENSORY, WITH ANHIDROSIS; INSENSITIVITY TO PAIN, CONGENITAL, WITH ANHIDROSIS. Identifiers: Orphanet 642, MedGen C0020074, MONDO:0009746, OMIM 256800.

Allele frequency attached by ClinVar (database versions not stated): gnomAD exomes below 0.00001.
gnomAD v4.1: 1 of 1,579,572 alleles (0.000063%); highest among the groups gnomAD compares: Non-Finnish European, 0.000086%; no homozygotes.

Submission:

Labcorp Genetics (formerly Invitae), Labcorp
Classification: Uncertain significance for Hereditary insensitivity to pain with anhidrosis. Last evaluated: 2019-02-26. Review status: criteria provided, single submitter. Criteria: Invitae Variant Classification Sherloc (09022015). Collection method: clinical testing. Allele origin: germline.
Comment: In summary, the available evidence is currently insufficient to determine the role of this variant in disease. Therefore, it has been classified as a Variant of Uncertain Significance. Algorithms developed to predict the effect of missense changes on protein structure and function are either unavailable or do not agree on the potential impact of this missense change (SIFT: "Deleterious"; PolyPhen-2: "Probably Damaging"; Align-GVGD: "Class C0"). This variant has not been reported in the literature in individuals with NTRK1-related conditions. The frequency data for this variant in the population databases is considered unreliable, as metrics indicate insufficient coverage at this position in the ExAC database. This sequence change replaces cysteine with arginine at codon 50 of the NTRK1 protein (p.Cys50Arg). The cysteine residue is moderately conserved and there is a large physicochemical difference between cysteine and arginine.